The following is an entry in ClinVar:

ClinVar aggregate classification (germline): Uncertain significance (1 of 4 stars; one submission).

Conditions:
Fanconi anemia (FA). Also called: Fanconi's anemia. Identifiers: Orphanet 84, MedGen C0015625, MeSH D005199, MONDO:0019391.

Submission:

Labcorp Genetics (formerly Invitae), Labcorp
Classification: Uncertain significance for Fanconi anemia. Last evaluated: 2022-10-17. Review status: criteria provided, single submitter. Criteria: Invitae Variant Classification Sherloc (09022015). Collection method: clinical testing. Allele origin: germline.
Comment: Algorithms developed to predict the effect of missense changes on protein structure and function (SIFT, PolyPhen-2, Align-GVGD) all suggest that this variant is likely to be tolerated. This sequence change replaces glutamine, which is neutral and polar, with histidine, which is basic and polar, at codon 1067 of the FANCD2 protein (p.Gln1067His). This variant is not present in population databases (gnomAD no frequency). This variant has not been reported in the literature in individuals affected with FANCD2-related conditions. In summary, the available evidence is currently insufficient to determine the role of this variant in disease. Therefore, it has been classified as a Variant of Uncertain Significance.

NM_001018115.3(FANCD2):c.3201G>T (p.Gln1067His)

Genes: FANCD2 (FA complementation group D2; plus strand), FANCD2OS (FANCD2 opposite strand; minus strand). Cytogenetic location: 3p25.3.
Variant type: single nucleotide variant.
Coding change: c.3201G>T on transcript NM_001018115.3 (MANE Select); coding-DNA position 3201, G replaced by T.
Protein change: p.Gln1067His; replaces glutamine 1067 with histidine.
Molecular consequence: missense variant. On other transcripts: 3 prime UTR variant (1).
Genome position (GRCh38, 1-based): chr3:10,081,441, G>T. VCF-style: chr3-10081441-G-T. GRCh37 (hg19) VCF-style: chr3-10123125-G-T.
Other names: c.*134C>A (NM_173472.2); c.3201G>T, p.Gln1067His (NM_001319984.2, NM_001374254.1, NM_033084.6); c.3090G>T, p.Gln1030His (NM_001374253.1); short protein forms Q1030H, Q1067H.
Identifiers: ClinVar variation 2087950 (VCV002087950.4), dbSNP rs2470016048, ClinGen allele CA351748919.